The following is an entry in ClinVar:

ClinVar aggregate classification (germline): Likely benign. Review status: criteria provided, multiple submitters, no conflicts (2 of 4 stars). 3 submissions from 3 submitters: Likely benign (3). Last evaluated 2024-05-16.

Conditions:
Ataxia-telangiectasia syndrome (AT). Also called: Cerebello-oculocutaneous telangiectasia; Immunodeficiency with ataxia telangiectasia; Ataxia telangiectasia (A-T); Ataxia-telangiectasia, complementation group E; LOUIS-BAR SYNDROME; Ataxia-telangiectasia, complementation group D. Identifiers: Orphanet 100, MedGen C0004135, MONDO:0008840, OMIM 208900.
Familial cancer of breast. Also called: hereditary breast carcinoma; BREAST CANCER, FAMILIAL; Hereditary breast cancer. Identifiers: Orphanet 227535, MedGen C0346153, MONDO:0016419, OMIM 114480. Disease mechanism: loss of function.

Allele frequency attached by ClinVar (database versions not stated): gnomAD exomes below 0.00001; ExAC 0.00001.
gnomAD v4.1: 2 of 1,613,418 alleles (0.00012%); highest among the groups gnomAD compares: Non-Finnish European, 0.00017%; no homozygotes.

Submissions (3):

Myriad Genetics, Inc.
Classification: Likely benign for Familial cancer of breast. Last evaluated: 2024-05-16. Review status: criteria provided, single submitter. Criteria: Myriad Autosomal Dominant, Autosomal Recessive and X-Linked Classification Criteria (2023). Collection method: clinical testing. Allele origin: unknown.
Comment: This variant is considered likely benign. This variant is intronic and is not expected to impact mRNA splicing.

Labcorp Genetics (formerly Invitae), Labcorp
Classification: Likely benign for Ataxia-telangiectasia syndrome. Last evaluated: 2023-11-06. Review status: criteria provided, single submitter. Criteria: Invitae Variant Classification Sherloc (09022015). Collection method: clinical testing. Allele origin: germline.

Department of Pathology and Laboratory Medicine, Sinai Health System
Classification: Likely benign for Familial cancer of breast. Last evaluated: 2020-01-29. Review status: criteria provided, single submitter. Criteria: ACMG Guidelines, 2015. Collection method: clinical testing. Allele origin: germline. Affected: yes.

NM_000051.4(ATM):c.4110-11A>G

Gene: ATM (ATM serine/threonine kinase; plus strand). Cytogenetic location: 11q22.3.
Variant type: single nucleotide variant.
Coding change: c.4110-11A>G on transcript NM_000051.4 (MANE Select); 11 bases into the intron before coding-DNA position 4110, A replaced by G.
Molecular consequence: intron variant.
Genome position (GRCh38, 1-based): chr11:108,288,966, A>G. VCF-style: chr11-108288966-A-G. GRCh37 (hg19) VCF-style: chr11-108159693-A-G.
Other names: c.4110-11A>G (NM_000051.3, NM_001351834.2).
Identifiers: ClinVar variation 2735364 (VCV002735364.5), dbSNP rs760715107, ClinGen allele CA6265404.